The following is an entry in ClinVar:

ClinVar aggregate classification (germline): Conflicting classifications of pathogenicity. Review status: criteria provided, conflicting classifications (1 of 4 stars). 2 submissions from 2 submitters: Uncertain significance (1); Likely benign (1). Last evaluated 2022-06-28.

Conditions:
Inborn genetic diseases. Identifiers: MedGen C0950123, MeSH D030342.
COG8-congenital disorder of glycosylation. Also called: CDG IIh; COG8-CDG. Identifiers: Orphanet 95428, MedGen C1970021, MONDO:0012635, OMIM 611182.

Allele frequency attached by ClinVar (database versions not stated): ExAC 0.00001; 1000 Genomes Project 30x 0.00016; 1000 Genomes Project 0.00020; TOPMed 0.00024; gnomAD 0.00029 and 0.00031.
gnomAD v4.1: 72 of 1,608,698 alleles (0.0045%); highest among the groups gnomAD compares: Admixed American, 0.1%; 1 homozygote.

Submissions (2):

Ambry Genetics
Classification: Likely benign for Inborn genetic diseases. Last evaluated: 2022-06-28. Review status: criteria provided, single submitter. Criteria: Ambry Variant Classification Scheme 2023. Collection method: clinical testing. Allele origin: germline.

Labcorp Genetics (formerly Invitae), Labcorp
Classification: Uncertain significance for COG8-congenital disorder of glycosylation. Last evaluated: 2021-09-01. Review status: criteria provided, single submitter. Criteria: Invitae Variant Classification Sherloc (09022015). Collection method: clinical testing. Allele origin: germline.
Comment: This sequence change replaces isoleucine with valine at codon 7 of the COG8 protein (p.Ile7Val). The isoleucine residue is weakly conserved and there is a small physicochemical difference between isoleucine and valine. This variant is present in population databases (rs200765847, ExAC 0.002%). This variant has not been reported in the literature in individuals affected with COG8-related conditions. Algorithms developed to predict the effect of missense changes on protein structure and function output the following: SIFT: "Tolerated"; PolyPhen-2: "Benign"; Align-GVGD: "Class C0". The valine amino acid residue is found in multiple mammalian species, which suggests that this missense change does not adversely affect protein function. In summary, the available evidence is currently insufficient to determine the role of this variant in disease. Therefore, it has been classified as a Variant of Uncertain Significance.

NM_032382.5(COG8):c.19A>G (p.Ile7Val)

Gene: COG8 (component of oligomeric golgi complex 8; minus strand). Cytogenetic location: 16q22.1.
Variant type: single nucleotide variant.
Coding change: c.19A>G on transcript NM_032382.5 (MANE Select); coding-DNA position 19, A replaced by G.
Protein change: p.Ile7Val; replaces isoleucine 7 with valine.
Molecular consequence: missense variant.
Genome position (GRCh38, 1-based): chr16:69,339,534, T>C on the plus strand (A>G on the coding strand, the complement: COG8 is on the minus strand). VCF-style: chr16-69339534-T-C. GRCh37 (hg19) VCF-style: chr16-69373437-T-C.
Other names: c.19A>G, p.Ile7Val (NM_001374871.1, NM_001379261.1, NM_001379262.1 and 4 more transcripts); c.19A>G (NM_032382.4); short protein forms I7V.
Identifiers: ClinVar variation 1060995 (VCV001060995.7), dbSNP rs200765847, ClinGen allele CA8134081.
Genomic context (GRCh38, chr16:69,339,534, plus strand): 5'-GGAGCCCTTCATCCTCCACCTCGCCGAGAGCCGCTGCTGTGGCCGTGGCTACCGATGGGA[T>C]AGTCGCCGCGGTCGCCATCTTCCCAGCAACAACGTCACTTCCCTTCCGGACCACAAGGGG-3'
Protein context (NP_115758.3, residues 1-17): MATAAT[Ile7Val]PSVATATAAA